The following is an entry in ClinVar:

ClinVar aggregate classification (germline): Likely benign. Review status: criteria provided, multiple submitters, no conflicts (2 of 4 stars). 3 submissions from 3 submitters: Likely benign (2). 1 of the submissions does not count toward it. Last evaluated 2026-02-02.

Conditions:
KPNA7-related disorder. Also called: KPNA7-related condition.

Allele frequency attached by ClinVar (database versions not stated): 1000 Genomes Project 30x 0.00016; ExAC 0.00019; 1000 Genomes Project 0.00020; gnomAD exomes 0.00028; TOPMed 0.00037; ESP Exome Variant Server 0.00044; gnomAD 0.00044.
gnomAD v4.1: 1,005 of 1,551,610 alleles (0.065%); highest among the groups gnomAD compares: Non-Finnish European, 0.083%; no homozygotes.

Submissions (3):

Labcorp Genetics (formerly Invitae), Labcorp
Classification: Likely benign. Last evaluated: 2026-02-02. Review status: criteria provided, single submitter. Criteria: Invitae Variant Classification Sherloc (09022015). Collection method: clinical testing. Allele origin: germline.

Blueprint Genetics
Classification: Likely benign. Last evaluated: 2024-10-04. Review status: criteria provided, single submitter. Criteria: ACMG Guidelines, 2015. Collection method: clinical testing. Allele origin: germline.

PreventionGenetics, part of Exact Sciences
Classification: Likely benign for KPNA7-related condition. Last evaluated: 2024-04-18. Review status: no assertion criteria provided. Collection method: clinical testing. Allele origin: germline. Not counted in ClinVar's aggregate classification.
Comment: This variant is classified as likely benign based on ACMG/AMP sequence variant interpretation guidelines (Richards et al. 2015 PMID: 25741868, with internal and published modifications).

NM_001145715.3(KPNA7):c.777G>A (p.Ser259=)

Gene: KPNA7 (karyopherin subunit alpha 7; minus strand). Cytogenetic location: 7q22.1.
Variant type: single nucleotide variant.
Coding change: c.777G>A on transcript NM_001145715.3 (MANE Select); coding-DNA position 777, G replaced by A.
Protein change: p.Ser259=; no amino-acid change (serine 259 retained).
Molecular consequence: synonymous variant.
Genome position (GRCh38, 1-based): chr7:99,188,423, C>T on the plus strand (G>A on the coding strand, the complement: KPNA7 is on the minus strand). VCF-style: chr7-99188423-C-T. GRCh37 (hg19) VCF-style: chr7-98786046-C-T.
Other names: c.777G>A (NM_001145715.2).
Identifiers: ClinVar variation 696363 (VCV000696363.13), dbSNP rs77084640, ClinGen allele CA4363195.